The following is an entry in ClinVar:

ClinVar aggregate classification (germline): Benign/Likely benign. Review status: criteria provided, multiple submitters, no conflicts (2 of 4 stars). 11 submissions from 11 submitters: Benign (4); Likely benign (4). 3 of the submissions do not count toward it. Last evaluated 2026-07-01.

Conditions:
Systemic lupus erythematosus (SLE). Identifiers: Orphanet 536, MedGen C0024141, MONDO:0007915, OMIM 152700, HP:0002725.
Maturity-onset diabetes of the young type 11. Identifiers: Orphanet 552, MedGen C3150618, MONDO:0013242, OMIM 613375.
Monogenic diabetes. Identifiers: Orphanet 183625, MedGen C3888631, MONDO:0015967.

Allele frequency attached by ClinVar (database versions not stated): 1000 Genomes Project 0.00140; 1000 Genomes Project 30x 0.00219; TOPMed 0.00276; gnomAD 0.00300 and 0.00301; gnomAD exomes 0.00307; ExAC 0.00326; ESP Exome Variant Server 0.00377.
gnomAD v4.1: 7,364 of 1,614,156 alleles (0.46%); highest among the groups gnomAD compares: Non-Finnish European, 0.55%; 24 homozygotes.

Submissions (11):

CeGaT Center for Human Genetics Tuebingen
Classification: Likely benign. Last evaluated: 2026-07-01. Review status: criteria provided, single submitter. Criteria: CeGaT Center For Human Genetics Tuebingen Variant Classification Criteria Version 2. Collection method: clinical testing. Allele origin: germline. Affected: yes. Observed: 8 variant alleles.
Comment: BLK: BP4, BS2

Labcorp Genetics (formerly Invitae), Labcorp
Classification: Likely benign. Last evaluated: 2026-01-12. Review status: criteria provided, single submitter. Criteria: Invitae Variant Classification Sherloc (09022015). Collection method: clinical testing. Allele origin: germline.

ARUP Laboratories, Molecular Genetics and Genomics, ARUP Laboratories
Classification: Benign for Maturity-onset diabetes of the young type 11. Last evaluated: 2023-09-10. Review status: criteria provided, single submitter. Criteria: ARUP Molecular Germline Variant Investigation Process 2024. Collection method: clinical testing. Allele origin: germline.

Department of Pathology and Laboratory Medicine, Sinai Health System
Classification: Benign for monogenic diabetes. Last evaluated: 2022-11-15. Review status: criteria provided, single submitter. Criteria: ACMG Guidelines, 2015. Collection method: research. Allele origin: germline.

Genetic Services Laboratory, University of Chicago
Classification: Benign. Last evaluated: 2021-05-24. Review status: criteria provided, single submitter. Criteria: ACMG Guidelines, 2015. Collection method: clinical testing. Allele origin: germline. Affected: no.

GeneDx
Classification: Likely benign. Last evaluated: 2020-10-19. Review status: criteria provided, single submitter. Criteria: GeneDx Variant Classification Process June 2021. Collection method: clinical testing. Allele origin: germline. Affected: yes.
Comment: This variant is associated with the following publications: (PMID: 31101814, 28766502)

Illumina Laboratory Services, Illumina
Classification: Benign for Maturity-onset diabetes of the young type 11. Last evaluated: 2018-01-12. Review status: criteria provided, single submitter. Criteria: ICSL Variant Classification Criteria 13 December 2019. Collection method: clinical testing. Allele origin: germline.
Comment: This variant was observed in the ICSL laboratory as part of a predisposition screen in an ostensibly healthy population. It had not been previously curated by ICSL or reported in the Human Gene Mutation Database (HGMD: prior to June 1st, 2018), and was therefore a candidate for classification through an automated scoring system. Utilizing variant allele frequency, disease prevalence and penetrance estimates, and inheritance mode, an automated score was calculated to assess if this variant is too frequent to cause the disease. Based on the score and internal cut-off values, a variant classified as benign is not then subjected to further curation. The score for this variant resulted in a classification of benign for this disease.

PreventionGenetics, part of Exact Sciences
Classification: Likely benign. Review status: criteria provided, single submitter. Criteria: ACMG Guidelines, 2015. Collection method: clinical testing. Allele origin: germline.

Carola Vinuesa Lab, John Curtin School of Medical Research
Classification: Pathogenic for Systemic lupus erythematosus. Review status: no assertion criteria provided. Collection method: research. Allele origin: germline. Affected: yes. Not counted in ClinVar's aggregate classification.

Clinical Genetics DNA and cytogenetics Diagnostics Lab, Erasmus MC, Erasmus Medical Center
Classification: Likely benign. Review status: no assertion criteria provided. Collection method: clinical testing. Allele origin: germline. Affected: yes. Study: VKGL Data-share Consensus. Not counted in ClinVar's aggregate classification.

Genome Diagnostics Laboratory, University Medical Center Utrecht
Classification: Likely benign. Review status: no assertion criteria provided. Collection method: clinical testing. Allele origin: germline. Affected: yes. Study: VKGL Data-share Consensus. Not counted in ClinVar's aggregate classification.

NM_001715.3(BLK):c.713G>A (p.Arg238Gln)

Genes: BLK (BLK proto-oncogene, Src family tyrosine kinase), BLK-AS1 (BLK antisense RNA 1). Cytogenetic location: 8p23.1.
Variant type: single nucleotide variant.
Coding change: c.713G>A on transcript NM_001715.3 (MANE Select); coding-DNA position 713, G replaced by A.
Protein change: p.Arg238Gln; replaces arginine 238 with glutamine.
Molecular consequence: missense variant.
Genome position (GRCh38, 1-based): chr8:11,555,425, G>A. VCF-style: chr8-11555425-G-A. GRCh37 (hg19) VCF-style: chr8-11412934-G-A.
Other names: c.500G>A, p.Arg167Gln (NM_001330465.2); short protein forms R238Q, R167Q.
Identifiers: ClinVar variation 210528 (VCV000210528.49), dbSNP rs141865425, ClinGen allele CA207574.